The following is an entry in ClinVar:

NM_000136.3(FANCC):c.1542C>G (p.His514Gln)

Genes: FANCC (FA complementation group C; minus strand), AOPEP (aminopeptidase O (putative); plus strand). Cytogenetic location: 9q22.32.
Variant type: single nucleotide variant.
Coding change: c.1542C>G on transcript NM_000136.3 (MANE Select); coding-DNA position 1542, C replaced by G.
Protein change: p.His514Gln; replaces histidine 514 with glutamine.
Molecular consequence: missense variant.
Genome position (GRCh38, 1-based): chr9:95,101,842, G>C on the plus strand (C>G on the coding strand, the complement: FANCC is on the minus strand). VCF-style: chr9-95101842-G-C. GRCh37 (hg19) VCF-style: chr9-97864124-G-C.
Other names: c.1542C>G, p.His514Gln (NM_001243743.2); short protein forms H514Q.
Identifiers: ClinVar variation 1714063 (VCV001714063.7), dbSNP rs2540751147, ClinGen allele CA374104837.
Genomic context (GRCh38, chr9:95,101,842, plus strand): 5'-ATTCCATCTGTACAAGGTCTGGTCAAGAAAGCCAATGATCTCGTGAGTTATCTCAGCAGT[G>C]TGAGCCATCTGCAATCAGGACAGAAGAGAAGGCAAATTAAAACACTTTCCAGACAGATTT-3'
Protein context (NP_000127.2, residues 504-524): IAWDVITLMA[His514Gln]TAEITHEIIG

ClinVar aggregate classification (germline): Conflicting classifications of pathogenicity. Review status: criteria provided, conflicting classifications (1 of 4 stars). 2 submissions from 2 submitters: Uncertain significance (1); Likely benign (1). Last evaluated 2023-07-05.

Conditions:
Hereditary cancer-predisposing syndrome. Also called: Neoplastic Syndromes, Hereditary; Tumor predisposition; Hereditary Cancer Syndrome; Hereditary neoplastic syndrome. Identifiers: Orphanet 140162, MedGen C0027672, MeSH D009386, MONDO:0015356.
Fanconi anemia (FA). Also called: Fanconi's anemia. Identifiers: Orphanet 84, MedGen C0015625, MeSH D005199, MONDO:0019391.

Submissions (2):

Ambry Genetics
Classification: Likely benign for Hereditary cancer-predisposing syndrome. Last evaluated: 2023-07-05. Review status: criteria provided, single submitter. Criteria: Ambry Variant Classification Scheme 2023. Collection method: clinical testing. Allele origin: germline.

Labcorp Genetics (formerly Invitae), Labcorp
Classification: Uncertain significance for Fanconi anemia. Last evaluated: 2022-07-29. Review status: criteria provided, single submitter. Criteria: Invitae Variant Classification Sherloc (09022015). Collection method: clinical testing. Allele origin: germline.
Comment: This variant is not present in population databases (gnomAD no frequency). This variant has not been reported in the literature in individuals affected with FANCC-related conditions. Algorithms developed to predict the effect of missense changes on protein structure and function output the following: SIFT: "Tolerated"; PolyPhen-2: "Benign"; Align-GVGD: "Class C0". The glutamine amino acid residue is found in multiple mammalian species, which suggests that this missense change does not adversely affect protein function. In summary, the available evidence is currently insufficient to determine the role of this variant in disease. Therefore, it has been classified as a Variant of Uncertain Significance. This sequence change replaces histidine, which is basic and polar, with glutamine, which is neutral and polar, at codon 514 of the FANCC protein (p.His514Gln).